The following is an entry in ClinVar:

ClinVar aggregate classification (germline): Uncertain significance (0 of 4 stars; one submission).

Conditions:
COL4A3-related disorder. Also called: COL4A3-related condition; COL4A3-Related Disorders.

gnomAD v4.1: 1 of 1,614,160 alleles (0.000062%); highest among the groups gnomAD compares: Non-Finnish European, 0.000085%; no homozygotes.

Submission:

PreventionGenetics, part of Exact Sciences
Classification: Uncertain significance for COL4A3-related condition. Last evaluated: 2024-07-24. Review status: no assertion criteria provided. Collection method: clinical testing. Allele origin: germline.
Comment: The COL4A3 c.4642T>C variant is predicted to result in the amino acid substitution p.Cys1548Arg. To our knowledge, this variant has not been reported in the literature or in a large population database, indicating this variant is rare. A different amino acid substitution at this position (c.4643G>A, p.Cys1548Tyr) has been reported in the homozygous state in an individual with Alport syndrome (Tazon Vega et al 2003. PubMed ID: 14582039). Although we suspect that this variant may be pathogenic, at this time, the clinical significance of this variant is uncertain due to the absence of conclusive functional and genetic evidence.

NM_000091.5(COL4A3):c.4642T>C (p.Cys1548Arg)

Genes: COL4A3 (collagen type IV alpha 3 chain; plus strand), MFF-DT (MFF divergent transcript; minus strand). Cytogenetic location: 2q36.3.
Variant type: single nucleotide variant.
Coding change: c.4642T>C on transcript NM_000091.5 (MANE Select); coding-DNA position 4642, T replaced by C.
Protein change: p.Cys1548Arg; replaces cysteine 1548 with arginine.
Molecular consequence: missense variant.
Genome position (GRCh38, 1-based): chr2:227,309,205, T>C. VCF-style: chr2-227309205-T-C. GRCh37 (hg19) VCF-style: chr2-228173921-T-C.
Other names: short protein forms C1548R.
Identifiers: ClinVar variation 3347072 (VCV003347072.1).